The following is an entry in ClinVar:

ClinVar aggregate classification (germline): Likely pathogenic (1 of 4 stars; one submission).

Conditions:
Migraine, familial hemiplegic, 3. Identifiers: Orphanet 569, MedGen C1864987, MONDO:0012320, OMIM 609634.
Severe myoclonic epilepsy in infancy (DRVT). Also called: Severe Myoclonic Epilepsy in Infancy (SMEI); SEVERE MYOCLONIC EPILEPSY OF INFANCY; DEVELOPMENTAL AND EPILEPTIC ENCEPHALOPATHY 6A; Dravet syndrome; Epileptic encephalopathy, early infantile, 6 (Dravet syndrome). Identifiers: Orphanet 33069, MedGen C0751122, MONDO:0100135, OMIM 607208.
Generalized epilepsy with febrile seizures plus, type 2 (GEFSP2). Also called: GEFS+, TYPE 2. Identifiers: Orphanet 36387, MedGen C1858673, MONDO:0011461, OMIM 604403.
Developmental and epileptic encephalopathy 6B. Also called: Developmental and epileptic encephalopathy 6B, non-Dravet. Identifiers: MedGen C5543353, MONDO:0030268, OMIM 619317.

Submission:

Juno Genomics, Hangzhou Juno Genomics, Inc
Classification: Likely pathogenic for Severe myoclonic epilepsy in infancy; Generalized epilepsy with febrile seizures plus, type 2; Migraine, familial hemiplegic, 3; Developmental and epileptic encephalopathy 6B. Review status: criteria provided, single submitter. Criteria: ACMG Guidelines, 2015. Collection method: clinical testing. Allele origin: germline. Affected: yes.
Comment: Null variant in a gene where loss of function (LOF) is a known mechanism of disease.;Absent from controls (or at extremely low frequency if recessive) in Genome Aggregation Database, Exome Sequencing Project, 1000 Genomes Project, or Exome Aggregation Consortium.;Assumed de novo, but without confirmation of paternity and maternity.;Patient's phenotype or family history is highly specific for a disease with a single genetic etiology.

NM_001165963.4(SCN1A):c.5316del (p.Ser1773fs)

Genes: SCN1A (sodium voltage-gated channel alpha subunit 1; minus strand), LOC102724058 (uncharacterized LOC102724058; plus strand). Cytogenetic location: 2q24.3.
Variant type: Deletion.
Coding change: c.5316del on transcript NM_001165963.4 (MANE Select); coding-DNA position 5316, one base deleted (A; older notation c.5316delA).
Protein change: p.Ser1773fs; shifts the reading frame from serine 1773.
Molecular consequence: frameshift variant. On other transcripts: non-coding transcript variant (1).
Genome position (GRCh38, 1-based): chr2:165,991,959, T deleted on the plus strand (A on the coding strand, the reverse complement: SCN1A is on the minus strand). VCF-style (leftmost placement, unchanged base first): chr2-165991958-AT-A. GRCh37 (hg19) VCF-style: chr2-166848468-AT-A.
Other names: c.5232del, p.Ser1745fs (NM_001165964.3, NM_001353957.2, NM_001353958.2); c.5316del, p.Ser1773fs (NM_001202435.3, NM_001353948.2); c.5283del, p.Ser1762fs (NM_001353949.2, NM_001353950.2, NM_001353951.2 and 2 more transcripts); c.5280del, p.Ser1761fs (NM_001353954.2, NM_001353955.2); c.5229del, p.Ser1744fs (NM_001353960.2); c.2874del, p.Ser959fs (NM_001353961.2); short protein forms S1744fs, S1745fs, S1761fs, S1762fs, S1773fs, S959fs.
Identifiers: ClinVar variation 3382428 (VCV003382428.2).